The following is an entry in ClinVar:

NM_000188.3(HK1):c.592-5C>G

Gene: HK1 (hexokinase 1; plus strand). Cytogenetic location: 10q22.1.
Variant type: single nucleotide variant.
Coding change: c.592-5C>G on transcript NM_000188.3 (MANE Select); 5 bases into the intron before coding-DNA position 592, C replaced by G.
Molecular consequence: intron variant.
Genome position (GRCh38, 1-based): chr10:69,369,232, C>G. VCF-style: chr10-69369232-C-G. GRCh37 (hg19) VCF-style: chr10-71128988-C-G.
Other names: c.556-5C>G (NM_033500.2); c.697-5C>G (NM_001322365.2); c.604-5C>G (NM_033498.3, NM_033497.3, NM_001322364.2 and 1 more transcripts); c.589-5C>G (NM_033496.3); c.508-5C>G (NM_001322366.1); c.496-5C>G (NM_001322367.1).
Identifiers: ClinVar variation 2978262 (VCV002978262.4), dbSNP rs1351261560, ClinGen allele CA594254057.

ClinVar aggregate classification (germline): Conflicting classifications of pathogenicity. Review status: criteria provided, conflicting classifications (1 of 4 stars). 2 submissions from 2 submitters: Uncertain significance (1); Likely benign (1). Last evaluated 2025-12-08.

Allele frequency attached by ClinVar (database versions not stated): TOPMed below 0.00001; gnomAD exomes 0.00002.
gnomAD v4.1: 25 of 1,610,304 alleles (0.0016%); highest among the groups gnomAD compares: Non-Finnish European, 0.0017%; no homozygotes.

Submissions (2):

Labcorp Genetics (formerly Invitae), Labcorp
Classification: Likely benign. Last evaluated: 2025-12-08. Review status: criteria provided, single submitter. Criteria: Invitae Variant Classification Sherloc (09022015). Collection method: clinical testing. Allele origin: germline.

Women's Health and Genetics/Laboratory Corporation of America, LabCorp
Classification: Uncertain significance. Last evaluated: 2025-10-27. Review status: criteria provided, single submitter. Criteria: LabCorp Variant Classification Summary - May 2015. Collection method: clinical testing. Allele origin: germline.
Comment: Variant summary: HK1 c.592-5C>G alters a non-conserved nucleotide located at a position not widely known to affect splicing. Several computational tools predict a significant impact on normal splicing: One predicts the variant has no significant impact on splicing and three predict the variant weakens a 3' acceptor site. However, these predictions have yet to be confirmed by functional studies. The variant allele was found at a frequency of 2e-05 in 251346 control chromosomes. The available data on variant occurrences in the general population are insufficient to allow any conclusion about variant significance. To our knowledge, no occurrence of c.592-5C>G in individuals affected with HK1-related conditions and no experimental evidence demonstrating its impact on protein function have been reported. ClinVar contains an entry for this variant (Variation ID: 2978262). Based on the evidence outlined above, the variant was classified as uncertain significance.